The following is an entry in ClinVar:

ClinVar aggregate classification (germline): Uncertain significance. Review status: criteria provided, multiple submitters, no conflicts (2 of 4 stars). 2 submissions from 2 submitters: Uncertain significance (2). Last evaluated 2026-03-30.

Conditions:
PLEC-related disorder. Also called: PLEC-related disorders; PLEC-related condition.
Epidermolysis bullosa simplex, Ogna type (EBS5A). Also called: Pidermolysis bullosa simplex 5A, Ogna type; EPIDERMOLYSIS BULLOSA SIMPLEX 5A, OGNA TYPE. Identifiers: Orphanet 79401, MedGen C0432317, MONDO:0007555, OMIM 131950.
Epidermolysis bullosa simplex 5B, with muscular dystrophy (EBS5B). Also called: Epidermolysis bullosa simplex with muscular dystrophy; EPIDERMOLYSIS BULLOSA SIMPLEX AND LIMB-GIRDLE MUSCULAR DYSTROPHY. Identifiers: Orphanet 257, MedGen C2931072, MONDO:0009181, OMIM 226670.
Epidermolysis bullosa simplex with nail dystrophy (EBS5D). Identifiers: MedGen C4225309, MONDO:0014661, OMIM 616487.
Autosomal recessive limb-girdle muscular dystrophy type 2Q (LGMDR17). Also called: MUSCULAR DYSTROPHY, LIMB-GIRDLE, AUTOSOMAL RECESSIVE 17. Identifiers: Orphanet 254361, MedGen C3150989, MONDO:0013390, OMIM 613723.
Epidermolysis bullosa simplex 5C, with pyloric atresia (EBS5C). Also called: PLEC-Related Epidermolysis Bullosa with Pyloric Atresia; Epidermolysis bullosa simplex with pyloric atresia; PLEC1-Related Epidermolysis Bullosa with Pyloric Atresia. Identifiers: Orphanet 158684, MedGen C2677349, MONDO:0012807, OMIM 612138.

Allele frequency attached by ClinVar (database versions not stated): gnomAD 0.00001 and 0.00002; TOPMed 0.00001.
gnomAD v4.1: 12 of 1,595,646 alleles (0.00075%); highest among the groups gnomAD compares: African/African-American, 0.004%; no homozygotes.

Submissions (2):

PreventionGenetics, part of Exact Sciences
Classification: Uncertain significance for PLEC-related condition. Last evaluated: 2026-03-30. Review status: criteria provided, single submitter. Criteria: ACMG Guidelines, 2015. Collection method: clinical testing. Allele origin: germline.
Comment: The PLEC c.7865G>A variant is predicted to result in the amino acid substitution p.Arg2622His. To our knowledge, this variant has not been reported in the literature. This variant is reported in 0.0030% of alleles in individuals of European (Non-Finnish) descent in gnomAD. At this time, the clinical significance of this variant is uncertain due to the absence of conclusive functional and genetic evidence.

Labcorp Genetics (formerly Invitae), Labcorp
Classification: Uncertain significance for Autosomal recessive limb-girdle muscular dystrophy type 2Q; Epidermolysis bullosa simplex, Ogna type; Epidermolysis bullosa simplex with nail dystrophy; Epidermolysis bullosa simplex 5C, with pyloric atresia; Epidermolysis bullosa simplex 5B, with muscular dystrophy. Last evaluated: 2022-07-05. Review status: criteria provided, single submitter. Criteria: Invitae Variant Classification Sherloc (09022015). Collection method: clinical testing. Allele origin: germline.
Comment: In summary, the available evidence is currently insufficient to determine the role of this variant in disease. Therefore, it has been classified as a Variant of Uncertain Significance. Algorithms developed to predict the effect of missense changes on protein structure and function are either unavailable or do not agree on the potential impact of this missense change (SIFT: "Tolerated"; PolyPhen-2: "Probably Damaging"; Align-GVGD: "Class C0"). ClinVar contains an entry for this variant (Variation ID: 538990). This variant has not been reported in the literature in individuals affected with PLEC-related conditions. This variant is present in population databases (rs782343962, gnomAD 0.003%). This sequence change replaces arginine, which is basic and polar, with histidine, which is basic and polar, at codon 2622 of the PLEC protein (p.Arg2622His).

NM_201384.3(PLEC):c.7784G>A (p.Arg2595His)

Gene: PLEC (plectin; minus strand). Cytogenetic location: 8q24.3.
Variant type: single nucleotide variant.
Coding change: c.7784G>A on transcript NM_201384.3 (MANE Select); coding-DNA position 7784, G replaced by A.
Protein change: p.Arg2595His; replaces arginine 2595 with histidine.
Molecular consequence: missense variant.
Genome position (GRCh38, 1-based): chr8:143,922,037, C>T on the plus strand (G>A on the coding strand, the complement: PLEC is on the minus strand). VCF-style: chr8-143922037-C-T. GRCh37 (hg19) VCF-style: chr8-144996205-C-T.
Other names: c.7865G>A, p.Arg2622His (NM_000445.5); c.7742G>A, p.Arg2581His (NM_201378.4); c.7718G>A, p.Arg2573His (NM_201379.3); c.8195G>A, p.Arg2732His (NM_201380.4); c.7688G>A, p.Arg2563His (NM_201381.3); c.7784G>A, p.Arg2595His (NM_201382.4); c.7796G>A, p.Arg2599His (NM_201383.3); short protein forms R2563H, R2581H, R2595H, R2599H, R2622H, R2573H, R2732H.
Identifiers: ClinVar variation 538990 (VCV000538990.7), dbSNP rs782343962, ClinGen allele CA4925520.